The following is an entry in ClinVar:

ClinVar aggregate classification (germline): Uncertain significance (1 of 4 stars; one submission).

Conditions:
Nephronophthisis 14 (NPHP14). Identifiers: Orphanet 2318, MedGen C3539071, MONDO:0013916, OMIM 614844.

Allele frequency attached by ClinVar (database versions not stated): TOPMed 0.00002; ESP Exome Variant Server 0.00008.
gnomAD v4.1: 12 of 1,613,966 alleles (0.00074%); highest among the groups gnomAD compares: Non-Finnish European, 0.001%; no homozygotes.

Submission:

Labcorp Genetics (formerly Invitae), Labcorp
Classification: Uncertain significance for Nephronophthisis 14. Last evaluated: 2021-06-16. Review status: criteria provided, single submitter. Criteria: Invitae Variant Classification Sherloc (09022015). Collection method: clinical testing. Allele origin: germline.
Comment: In summary, the available evidence is currently insufficient to determine the role of this variant in disease. Therefore, it has been classified as a Variant of Uncertain Significance. Algorithms developed to predict the effect of sequence changes on RNA splicing suggest that this variant may create or strengthen a splice site, but this prediction has not been confirmed by published transcriptional studies. Algorithms developed to predict the effect of missense changes on protein structure and function (SIFT, PolyPhen-2, Align-GVGD) all suggest that this variant is likely to be tolerated, but these predictions have not been confirmed by published functional studies and their clinical significance is uncertain. This variant has not been reported in the literature in individuals with ZNF423-related conditions. This variant is present in population databases (rs376833288, ExAC 0.005%). This sequence change replaces threonine with arginine at codon 116 of the ZNF423 protein (p.Thr116Arg). The threonine residue is moderately conserved and there is a moderate physicochemical difference between threonine and arginine.

NM_001379286.1(ZNF423):c.371C>G (p.Thr124Arg)

Gene: ZNF423 (zinc finger protein 423; minus strand). Cytogenetic location: 16q12.1.
Variant type: single nucleotide variant.
Coding change: c.371C>G on transcript NM_001379286.1 (MANE Select); coding-DNA position 371, C replaced by G.
Protein change: p.Thr124Arg; replaces threonine 124 with arginine.
Molecular consequence: missense variant. On other transcripts: 5 prime UTR variant (1).
Genome position (GRCh38, 1-based): chr16:49,638,805, G>C on the plus strand (C>G on the coding strand, the complement: ZNF423 is on the minus strand). VCF-style: chr16-49638805-G-C. GRCh37 (hg19) VCF-style: chr16-49672716-G-C.
Other names: c.167C>G, p.Thr56Arg (NM_001271620.2); c.-5C>G (NM_001330533.2); c.347C>G, p.Thr116Arg (NM_015069.5); short protein forms T116R, T124R, T56R.
Identifiers: ClinVar variation 1410830 (VCV001410830.8), dbSNP rs376833288, ClinGen allele CA8046885.